The following is an entry in ClinVar:

ClinVar aggregate classification (germline): Uncertain significance (1 of 4 stars; one submission).

Conditions:
Inborn genetic diseases. Identifiers: MedGen C0950123, MeSH D030342.

Allele frequency attached by ClinVar (database versions not stated): gnomAD exomes below 0.00001; TOPMed below 0.00001.
gnomAD v4.1: 1 of 1,612,524 alleles (0.000062%); highest among the groups gnomAD compares: Non-Finnish European, 0.000085%; no homozygotes.

Submission:

Ambry Genetics
Classification: Uncertain significance for Inborn genetic diseases. Last evaluated: 2022-06-07. Review status: criteria provided, single submitter. Criteria: Ambry Variant Classification Scheme 2023. Collection method: clinical testing. Allele origin: germline.
Comment: The p.K5R variant (also known as c.14A>G), located in coding exon 1 of the EPAS1 gene, results from an A to G substitution at nucleotide position 14. The lysine at codon 5 is replaced by arginine, an amino acid with highly similar properties. This amino acid position is conserved. In addition, this alteration is predicted to be tolerated by in silico analysis. Since supporting evidence is limited at this time, the clinical significance of this alteration remains unclear.

NM_001430.5(EPAS1):c.14A>G (p.Lys5Arg)

Genes: EPAS1 (endothelial PAS domain protein 1; plus strand), LOC129933655 (ATAC-STARR-seq lymphoblastoid silent region 11447; plus strand). Cytogenetic location: 2p21.
Variant type: single nucleotide variant.
Coding change: c.14A>G on transcript NM_001430.5 (MANE Select); coding-DNA position 14, A replaced by G.
Protein change: p.Lys5Arg; replaces lysine 5 with arginine.
Molecular consequence: missense variant.
Genome position (GRCh38, 1-based): chr2:46,297,925, A>G. VCF-style: chr2-46297925-A-G. GRCh37 (hg19) VCF-style: chr2-46525064-A-G.
Other names: short protein forms K5R.
Identifiers: ClinVar variation 1773971 (VCV001773971.2), dbSNP rs1158312540, ClinGen allele CA346695246.